The following is an entry in ClinVar:

ClinVar aggregate classification (germline): Benign. Review status: criteria provided, single submitter (1 of 4 stars). 3 submissions from 1 submitter: Benign (3). Last evaluated 2018-01-12.

Conditions:
Complement component 3 deficiency. Identifiers: Orphanet 280133, MedGen C3151071, MONDO:0013417, OMIM 613779.
Age related macular degeneration 9. Identifiers: MedGen C1969651, MONDO:0012659, OMIM 611378.
Atypical hemolytic-uremic syndrome with C3 anomaly. Also called: AHUS, SUSCEPTIBILITY TO, 5. Identifiers: Orphanet 2134, MedGen C2752037, MONDO:0013043, OMIM 612925.

Allele frequency attached by ClinVar (database versions not stated): gnomAD exomes 0.00113; ExAC 0.00257; gnomAD 0.00341; 1000 Genomes Project 0.00379; ESP Exome Variant Server 0.00394; TOPMed 0.00414; 1000 Genomes Project 30x 0.00437.

Submissions (3):

Illumina Laboratory Services, Illumina
Classification: Benign for Atypical hemolytic-uremic syndrome with C3 anomaly. Last evaluated: 2018-01-12. Review status: criteria provided, single submitter. Criteria: ICSL Variant Classification Criteria 13 December 2019. Collection method: clinical testing. Allele origin: germline.
Comment: This variant was observed in the ICSL laboratory as part of a predisposition screen in an ostensibly healthy population. It had not been previously curated by ICSL or reported in the Human Gene Mutation Database (HGMD: prior to June 1st, 2018), and was therefore a candidate for classification through an automated scoring system. Utilizing variant allele frequency, disease prevalence and penetrance estimates, and inheritance mode, an automated score was calculated to assess if this variant is too frequent to cause the disease. Based on the score and internal cut-off values, a variant classified as benign is not then subjected to further curation. The score for this variant resulted in a classification of benign for this disease.

Illumina Laboratory Services, Illumina
Classification: Benign for Age related macular degeneration 9. Last evaluated: 2018-01-12. Review status: criteria provided, single submitter. Criteria: ICSL Variant Classification Criteria 13 December 2019. Collection method: clinical testing. Allele origin: germline.
Comment: the same text as in the submission from Illumina Laboratory Services, Illumina above.

Illumina Laboratory Services, Illumina
Classification: Benign for Complement component 3 deficiency. Last evaluated: 2018-01-12. Review status: criteria provided, single submitter. Criteria: ICSL Variant Classification Criteria 13 December 2019. Collection method: clinical testing. Allele origin: germline.
Comment: the same text as in the submission from Illumina Laboratory Services, Illumina above.

NM_000064.4(C3):c.-28C>G

Gene: C3 (complement C3; minus strand). Cytogenetic location: 19p13.3.
Variant type: single nucleotide variant.
Coding change: c.-28C>G on transcript NM_000064.4 (MANE Select); 28 bases upstream of the start codon, C replaced by G.
Molecular consequence: 5 prime UTR variant.
Genome position (GRCh38, 1-based): chr19:6,720,617, G>C on the plus strand (C>G on the coding strand, the complement: C3 is on the minus strand). VCF-style: chr19-6720617-G-C. GRCh37 (hg19) VCF-style: chr19-6720628-G-C.
Other names: c.-28C>G (LRG_27t1).
Identifiers: ClinVar variation 330342 (VCV000330342.5), dbSNP rs339394, ClinGen allele CA9129935.